The following is an entry in ClinVar:

NM_030665.4(RAI1):c.2633T>A (p.Leu878Gln)

Gene: RAI1 (retinoic acid induced 1; plus strand). Cytogenetic location: 17p11.2.
Variant type: single nucleotide variant.
Coding change: c.2633T>A on transcript NM_030665.4 (MANE Select); coding-DNA position 2633, T replaced by A.
Protein change: p.Leu878Gln; replaces leucine 878 with glutamine.
Molecular consequence: missense variant.
Genome position (GRCh38, 1-based): chr17:17,795,581, T>A. VCF-style: chr17-17795581-T-A. GRCh37 (hg19) VCF-style: chr17-17698895-T-A.
Other names: short protein forms L878Q.
Identifiers: ClinVar variation 4995415 (VCV004995415.1).
Genomic context (GRCh38, chr17:17,795,581, plus strand): 5'-CCACCAGCAGGAAGGAGGACCTGGAAGCTGAGGAGGAGTACTCCTCCCTATGTGAGCTCC[T>A]GGGCAGCCCCGAGCAGAGGCCTGGCATGCAGGACCCGCTGTCACCCAAGGCCCCACTCAT-3'
Protein context (NP_109590.3, residues 868-888): EEEYSSLCEL[Leu878Gln]GSPEQRPGMQ

ClinVar aggregate classification (germline): Uncertain significance (1 of 4 stars; one submission).

Conditions:
RAI1-related disorder. Also called: RAI1-related condition.

Submission:

PreventionGenetics, part of Exact Sciences
Classification: Uncertain significance for RAI1-related condition. Last evaluated: 2025-10-28. Review status: criteria provided, single submitter. Criteria: ACMG Guidelines, 2015. Collection method: clinical testing. Allele origin: germline.
Comment: The RAI1 c.2633T>A variant is predicted to result in the amino acid substitution p.Leu878Gln. To our knowledge, this variant has not been reported in the literature or in a large population database (gnomAD), indicating this variant is rare. At this time, the clinical significance of this variant is uncertain due to the absence of conclusive functional and genetic evidence.